The following is an entry in ClinVar:

NM_014994.3(MAPKBP1):c.2092+1G>A

Gene: MAPKBP1 (mitogen-activated protein kinase binding protein 1; plus strand). Cytogenetic location: 15q15.1.
Variant type: single nucleotide variant.
Coding change: c.2092+1G>A on transcript NM_014994.3 (MANE Select); the canonical splice donor site of the intron after coding-DNA position 2092, G replaced by A.
Molecular consequence: splice donor variant.
Genome position (GRCh38, 1-based): chr15:41,818,306, G>A. VCF-style: chr15-41818306-G-A. GRCh37 (hg19) VCF-style: chr15-42110504-G-A.
Other names: c.2110+1G>A (NM_001128608.2); c.2092+1G>A (NM_001265611.2).
Identifiers: ClinVar variation 4056601 (VCV004056601.1).
Genomic context (GRCh38, chr15:41,818,306, plus strand): 5'-ATCTCTCCATTTTTGACTTCTCCTCAGGCGAGTGCGTGGCCACCATGTTTGGCCACTCAG[G>A]TGAGTGTAGCCTGAATCCCCGAGTAGAAGCTGATACCTGCGTAAACCTGAGTGAGTTCCA-3'

ClinVar aggregate classification (germline): Likely pathogenic (1 of 4 stars; one submission).

Conditions:
Nephronophthisis 20 (NPHP20). Identifiers: MedGen C4310640, MONDO:0014997, OMIM 617271.

Submission:

Laboratorio de Genetica e Diagnostico Molecular, Hospital Israelita Albert Einstein
Classification: Likely pathogenic for Nephronophthisis 20. Last evaluated: 2025-05-09. Review status: criteria provided, single submitter. Criteria: ACMG Guidelines, 2015. Collection method: clinical testing. Allele origin: germline. Affected: yes.
Comment: ACMG classification criteria: PVS1 very strong, PM2 supporting